The following is an entry in ClinVar:

ClinVar aggregate classification (germline): Benign/Likely benign. Review status: criteria provided, multiple submitters, no conflicts (2 of 4 stars). 3 submissions from 3 submitters: Benign (1); Likely benign (2). Last evaluated 2026-09-11.

Conditions:
Inborn genetic diseases. Identifiers: MedGen C0950123, MeSH D030342.
Tumor predisposition syndrome 2 (TPDS2). Also called: MBD4-ASSOCIATED NEOPLASIA SYNDROME; MBD4-Related Tumor Predisposition Syndrome; MBD4-associated neoplasia syndrome (MANS). Identifiers: Orphanet 661526, MedGen C5774186, MONDO:0859267, OMIM 619975.

Allele frequency attached by ClinVar (database versions not stated): gnomAD exomes 0.00001; TOPMed 0.00001; ExAC 0.00001.
gnomAD v4.1: 21 of 1,614,154 alleles (0.0013%); highest among the groups gnomAD compares: Middle Eastern, 0.033%; no homozygotes.

Submissions (3):

Ambry Genetics
Classification: Likely benign for Inborn genetic diseases. Last evaluated: 2026-09-11. Review status: criteria provided, single submitter. Criteria: Ambry Variant Classification Scheme 2023. Collection method: clinical testing. Allele origin: germline.

Myriad Genetics, Inc.
Classification: Benign for Tumor predisposition syndrome 2. Last evaluated: 2026-06-11. Review status: criteria provided, single submitter. Criteria: Myriad Autosomal Dominant, Autosomal Recessive and X-Linked Classification Criteria (2023). Collection method: clinical testing. Allele origin: unknown.
Comment: This variant is considered benign. This variant is a silent/synonymous amino acid change and it is not expected to impact splicing.

Labcorp Genetics (formerly Invitae), Labcorp
Classification: Likely benign. Last evaluated: 2025-12-21. Review status: criteria provided, single submitter. Criteria: Invitae Variant Classification Sherloc (09022015). Collection method: clinical testing. Allele origin: germline.

NM_001276270.2(MBD4):c.1362C>T (p.Leu454=)

Gene: MBD4 (methyl-CpG binding domain 4, DNA glycosylase; minus strand). Cytogenetic location: 3q21.3.
Variant type: single nucleotide variant.
Coding change: c.1362C>T on transcript NM_001276270.2 (MANE Select); coding-DNA position 1362, C replaced by T.
Protein change: p.Leu454=; no amino-acid change (leucine 454 retained).
Molecular consequence: synonymous variant.
Genome position (GRCh38, 1-based): chr3:129,433,881, G>A on the plus strand (C>T on the coding strand, the complement: MBD4 is on the minus strand). VCF-style: chr3-129433881-G-A. GRCh37 (hg19) VCF-style: chr3-129152724-G-A.
Other names: c.1380C>T, p.Leu460= (NM_001276271.2, NM_001276272.2, NM_003925.3); c.426C>T, p.Leu142= (NM_001276273.2).
Identifiers: ClinVar variation 2867248 (VCV002867248.6), dbSNP rs766007056, ClinGen allele CA2605321.
Genomic context (GRCh38, chr3:129,433,881, plus strand): 5'-TAAGACAAAGATGATAATAATCCCCAAACCTGAGGTCCGATTGAGAAATATAGTAGCGAT[G>A]AGAAGCTTCCATGGATCATGAAAAAGTGTTTCTTGAACGAGATTAAAAGGTGACCGAGGA-3'
Protein context (NP_001263199.1, residues 444-464): ETLFHDPWKL[Leu454=]IATIFLNRTS